The following is an entry in ClinVar:

NM_000136.3(FANCC):c.2T>C (p.Met1Thr)

Gene: FANCC (FA complementation group C; minus strand). Cytogenetic location: 9q22.32.
Variant type: single nucleotide variant.
Coding change: c.2T>C on transcript NM_000136.3 (MANE Select); coding-DNA position 2, T replaced by C.
Protein change: p.Met1Thr; changes the start codon (methionine 1).
Molecular consequence: missense variant, initiator codon variant.
Genome position (GRCh38, 1-based): chr9:95,249,290, A>G on the plus strand (T>C on the coding strand, the complement: FANCC is on the minus strand). VCF-style: chr9-95249290-A-G. GRCh37 (hg19) VCF-style: chr9-98011572-A-G.
Other names: c.2T>C, p.Met1Thr (NM_001243743.2, NM_001243744.2); short protein forms M1T.
Identifiers: ClinVar variation 1324376 (VCV001324376.6), dbSNP rs2136102345, ClinGen allele CA374340550.

ClinVar aggregate classification (germline): Conflicting classifications of pathogenicity. Review status: criteria provided, conflicting classifications (1 of 4 stars). 2 submissions from 2 submitters: Likely pathogenic (1); Uncertain significance (1). Last evaluated 2024-06-04.

Conditions:
Fanconi anemia complementation group C (FANCC). Also called: FANCONI PANCYTOPENIA, TYPE 3; FACC; FANCC-Related Fanconi Anemia; Fanconi anemia, group C. Identifiers: Orphanet 84, MedGen C3468041, MONDO:0009213, OMIM 227645.
Fanconi anemia (FA). Also called: Fanconi's anemia. Identifiers: Orphanet 84, MedGen C0015625, MeSH D005199, MONDO:0019391.

Submissions (2):

Labcorp Genetics (formerly Invitae), Labcorp
Classification: Uncertain significance for Fanconi anemia. Last evaluated: 2024-06-04. Review status: criteria provided, single submitter. Criteria: Invitae Variant Classification Sherloc (09022015). Collection method: clinical testing. Allele origin: germline.
Comment: This sequence change affects the initiator methionine of the FANCC mRNA. The next in-frame methionine is located at codon 16. This variant is not present in population databases (gnomAD no frequency). Disruption of the initiator codon has been observed in individual(s) with FANCC-related conditions (PMID: 28678401). ClinVar contains an entry for this variant (Variation ID: 1324376). In summary, the available evidence is currently insufficient to determine the role of this variant in disease. Therefore, it has been classified as a Variant of Uncertain Significance.

Revvity Omics, Revvity
Classification: Likely pathogenic for Fanconi anemia complementation group C. Last evaluated: 2019-06-28. Review status: criteria provided, single submitter. Criteria: ACMG Guidelines, 2015. Collection method: clinical testing. Allele origin: germline.

Literature cited by the submitters: PubMed 28678401 (cited by Labcorp Genetics (formerly Invitae), Labcorp).